The following is an entry in ClinVar:

ClinVar aggregate classification (germline): Conflicting classifications of pathogenicity. Review status: criteria provided, conflicting classifications (1 of 4 stars). 2 submissions from 2 submitters: Likely pathogenic (1); Uncertain significance (1). Last evaluated 2025-10-11.

Conditions:
Autosomal dominant Alport syndrome (ATS3A). Also called: Alport syndrome dominant type; Renal failure and sensorineural hearing loss; ALPORT SYNDROME 3A, AUTOSOMAL DOMINANT. Identifiers: Orphanet 63, Orphanet 88918, MedGen C5882663, MONDO:0007086, OMIM 104200.
Hematuria, benign familial, 2 (BFH2). Identifiers: MedGen C5830421, MONDO:0958186, OMIM 620320.
Alport syndrome 3b, autosomal recessive. Identifiers: MedGen C5882699, MONDO:0957811, OMIM 620536.

Submissions (2):

Labcorp Genetics (formerly Invitae), Labcorp
Classification: Uncertain significance. Last evaluated: 2025-10-11. Review status: criteria provided, single submitter. Criteria: Invitae Variant Classification Sherloc (09022015). Collection method: clinical testing. Allele origin: germline.
Comment: This sequence change replaces glycine, which is neutral and non-polar, with arginine, which is basic and polar, at codon 1239 of the COL4A3 protein (p.Gly1239Arg). This variant is not present in population databases (gnomAD no frequency). This variant has not been reported in the literature in individuals affected with COL4A3-related conditions. ClinVar contains an entry for this variant (Variation ID: 1460795). Invitae Evidence Modeling of protein sequence and biophysical properties (such as structural, functional, and spatial information, amino acid conservation, physicochemical variation, residue mobility, and thermodynamic stability) indicates that this missense variant is expected to disrupt COL4A3 protein function with a positive predictive value of 80%. In summary, the available evidence is currently insufficient to determine the role of this variant in disease. Therefore, it has been classified as a Variant of Uncertain Significance.

Fulgent Genetics
Classification: Likely pathogenic for Autosomal dominant Alport syndrome; Hematuria, benign familial, 2; Alport syndrome 3b, autosomal recessive. Last evaluated: 2024-05-11. Review status: criteria provided, single submitter. Criteria: ACMG Guidelines, 2015. Collection method: clinical testing. Allele origin: germline.

NM_000091.5(COL4A3):c.3715G>A (p.Gly1239Arg)

Genes: COL4A3 (collagen type IV alpha 3 chain; plus strand), MFF-DT (MFF divergent transcript; minus strand). Cytogenetic location: 2q36.3.
Variant type: single nucleotide variant.
Coding change: c.3715G>A on transcript NM_000091.5 (MANE Select); coding-DNA position 3715, G replaced by A.
Protein change: p.Gly1239Arg; replaces glycine 1239 with arginine.
Molecular consequence: missense variant.
Genome position (GRCh38, 1-based): chr2:227,297,823, G>A. VCF-style: chr2-227297823-G-A. GRCh37 (hg19) VCF-style: chr2-228162539-G-A.
Other names: short protein forms G1239R.
Identifiers: ClinVar variation 1460795 (VCV001460795.7), dbSNP rs2106247498, ClinGen allele CA350860420.
Genomic context (GRCh38, chr2:227,297,823, plus strand): 5'-GGCATAGAAGGATTCCCAGGGCCACCAGGTCTGCCCGGTGCAATTATCCCTGGCCAGACA[G>A]GAAATCGTGGTCCACCAGGCTCAAGAGGAAGCCCAGGTAAAGGGTTTACTTTTAAACAGC-3'
Protein context (NP_000082.2, residues 1229-1249): LPGAIIPGQT[Gly1239Arg]NRGPPGSRGS